The following is an entry in ClinVar:

NM_001492.6(GDF1):c.78G>C (p.Leu26=)

Genes: CERS1 (ceramide synthase 1; minus strand), GDF1 (growth differentiation factor 1; minus strand). Cytogenetic location: 19p13.11.
Variant type: single nucleotide variant.
Coding change: c.78G>C on transcript NM_001492.6 (MANE Select); coding-DNA position 78, G replaced by C.
Protein change: p.Leu26=; no amino-acid change (leucine 26 retained).
Molecular consequence: synonymous variant. On other transcripts: 3 prime UTR variant (2).
Genome position (GRCh38, 1-based): chr19:18,870,230, C>G on the plus strand (G>C on the coding strand, the complement: GDF1 is on the minus strand). VCF-style: chr19-18870230-C-G. GRCh37 (hg19) VCF-style: chr19-18981039-C-G.
Other names: c.*347G>C (NM_001387440.1, NM_021267.5); c.78G>C, p.Leu26= (NM_001387438.1).
Identifiers: ClinVar variation 1100976 (VCV001100976.11), dbSNP rs768421187, ClinGen allele CA9318018.

ClinVar aggregate classification (germline): Likely benign. Review status: criteria provided, single submitter (1 of 4 stars). 2 submissions from 2 submitters: Likely benign (1). 1 of the submissions does not count toward it. Last evaluated 2023-08-04.

Conditions:
GDF1-related disorder. Also called: GDF1-related condition.

Allele frequency attached by ClinVar (database versions not stated): gnomAD 0.00004; gnomAD exomes 0.00006 and 0.00007; TOPMed 0.00006; ExAC 0.00016.
gnomAD v4.1: 90 of 1,550,098 alleles (0.0058%); highest among the groups gnomAD compares: Middle Eastern, 0.042%; no homozygotes.

Submissions (2):

Labcorp Genetics (formerly Invitae), Labcorp
Classification: Likely benign. Last evaluated: 2023-08-04. Review status: criteria provided, single submitter. Criteria: Invitae Variant Classification Sherloc (09022015). Collection method: clinical testing. Allele origin: germline.

PreventionGenetics, part of Exact Sciences
Classification: Likely benign for GDF1-related condition. Last evaluated: 2019-06-21. Review status: no assertion criteria provided. Collection method: clinical testing. Allele origin: germline. Not counted in ClinVar's aggregate classification.
Comment: This variant is classified as likely benign based on ACMG/AMP sequence variant interpretation guidelines (Richards et al. 2015 PMID: 25741868, with internal and published modifications).